The following is an entry in ClinVar:

ClinVar aggregate classification (germline): Uncertain significance (1 of 4 stars; one submission).

Conditions:
Dystonia 12 (DYT12). Also called: Rapid-Onset Dystonia-Parkinsonism (RDP); DYT-ATP1A3. Identifiers: Orphanet 71517, MedGen C1868681, MONDO:0007496, OMIM 128235.

Submission:

Labcorp Genetics (formerly Invitae), Labcorp
Classification: Uncertain significance for Dystonia 12. Last evaluated: 2018-02-22. Review status: criteria provided, single submitter. Criteria: Invitae Variant Classification Sherloc (09022015). Collection method: clinical testing. Allele origin: germline.
Comment: This sequence change replaces leucine with proline at codon 798 of the ATP1A3 protein (p.Leu798Pro). The leucine residue is moderately conserved and there is a moderate physicochemical difference between leucine and proline. This variant is not present in population databases (ExAC no frequency). This variant has not been reported in the literature in individuals with ATP1A3-related disease. Algorithms developed to predict the effect of missense changes on protein structure and function do not agree on the potential impact of this missense change (SIFT: "Deleterious"; PolyPhen-2: "Probably Damaging"; Align-GVGD: "Class C0"). In summary, the available evidence is currently insufficient to determine the role of this variant in disease. Therefore, it has been classified as a Variant of Uncertain Significance.

NM_152296.5(ATP1A3):c.2393T>C (p.Leu798Pro)

Gene: ATP1A3 (ATPase Na+/K+ transporting subunit alpha 3; minus strand). Cytogenetic location: 19q13.2.
Variant type: single nucleotide variant.
Coding change: c.2393T>C on transcript NM_152296.5 (MANE Select); coding-DNA position 2393, T replaced by C.
Protein change: p.Leu798Pro; replaces leucine 798 with proline.
Molecular consequence: missense variant.
Genome position (GRCh38, 1-based): chr19:41,970,413, A>G on the plus strand (T>C on the coding strand, the complement: ATP1A3 is on the minus strand). VCF-style: chr19-41970413-A-G. GRCh37 (hg19) VCF-style: chr19-42474565-A-G.
Other names: c.2426T>C, p.Leu809Pro (NM_001256213.2); c.2432T>C, p.Leu811Pro (NM_001256214.2); short protein forms L798P, L809P, L811P.
Identifiers: ClinVar variation 573504 (VCV000573504.8), dbSNP rs1568854359, ClinGen allele CA406039337.
Genomic context (GRCh38, chr19:41,970,413, plus strand): 5'-CCTCCTGGGCCCCAAGGGTGGCTGCCAGGGCTCACCATGTCAGTGCCCAGATCGATGCAG[A>G]GGATGGTGATGGTGCCCAGGGGCAGCGGGATGTTGGCCATGATGAACAGCAGGAAGGGCG-3'
Protein context (NP_689509.1, residues 788-808): IPLPLGTITI[Leu798Pro]CIDLGTDMVP